The following is an entry in ClinVar:

ClinVar aggregate classification (germline): Likely benign. Review status: criteria provided, multiple submitters, no conflicts (2 of 4 stars). 2 submissions from 2 submitters: Likely benign (2). Last evaluated 2024-08-28.

Conditions:
Fanconi anemia complementation group J. Also called: BRIP1-Related Fanconi Anemia. Identifiers: Orphanet 84, MedGen C1836860, MONDO:0012187, OMIM 609054.
Familial cancer of breast. Also called: hereditary breast carcinoma; BREAST CANCER, FAMILIAL; Hereditary breast cancer. Identifiers: Orphanet 227535, MedGen C0346153, MONDO:0016419, OMIM 114480. Disease mechanism: loss of function.

Submissions (2):

Myriad Genetics, Inc.
Classification: Likely benign for Familial cancer of breast. Last evaluated: 2024-08-28. Review status: criteria provided, single submitter. Criteria: Myriad Autosomal Dominant, Autosomal Recessive and X-Linked Classification Criteria (2023). Collection method: clinical testing. Allele origin: unknown.
Comment: This variant is considered likely benign. This variant is intronic and is not expected to impact mRNA splicing.

Labcorp Genetics (formerly Invitae), Labcorp
Classification: Likely benign for Familial cancer of breast; Fanconi anemia complementation group J. Last evaluated: 2024-01-07. Review status: criteria provided, single submitter. Criteria: Invitae Variant Classification Sherloc (09022015). Collection method: clinical testing. Allele origin: germline.

NM_032043.3(BRIP1):c.1473+8A>G

Gene: BRIP1 (BRCA1 interacting DNA helicase 1; minus strand). Cytogenetic location: 17q23.2.
Variant type: single nucleotide variant.
Coding change: c.1473+8A>G on transcript NM_032043.3 (MANE Select); 8 bases into the intron after coding-DNA position 1473, A replaced by G.
Molecular consequence: intron variant.
Genome position (GRCh38, 1-based): chr17:61,793,589, T>C on the plus strand (A>G on the coding strand, the complement: BRIP1 is on the minus strand). VCF-style: chr17-61793589-T-C. GRCh37 (hg19) VCF-style: chr17-59870950-T-C.
Identifiers: ClinVar variation 2922024 (VCV002922024.4), dbSNP rs2145238439, ClinGen allele CA2740093891.